The following is an entry in ClinVar:

ClinVar aggregate classification (germline): Uncertain significance (1 of 4 stars; one submission).

Conditions:
Landau-Kleffner syndrome (FESD). Also called: EPILEPSY, FOCAL, WITH SPEECH DISORDER AND WITH OR WITHOUT MENTAL RETARDATION; APHASIA, ACQUIRED, WITH EPILEPSY. Identifiers: Orphanet 1945, Orphanet 725, Orphanet 98818, MedGen C0282512, MONDO:0009509, OMIM 245570.

Allele frequency attached by ClinVar (database versions not stated): TOPMed below 0.00001.

Submission:

Labcorp Genetics (formerly Invitae), Labcorp
Classification: Uncertain significance for Landau-Kleffner syndrome. Last evaluated: 2023-09-25. Review status: criteria provided, single submitter. Criteria: Invitae Variant Classification Sherloc (09022015). Collection method: clinical testing. Allele origin: germline.
Comment: This sequence change replaces serine, which is neutral and polar, with alanine, which is neutral and non-polar, at codon 1092 of the GRIN2A protein (p.Ser1092Ala). This variant is not present in population databases (gnomAD no frequency). This variant has not been reported in the literature in individuals affected with GRIN2A-related conditions. Advanced modeling of protein sequence and biophysical properties (such as structural, functional, and spatial information, amino acid conservation, physicochemical variation, residue mobility, and thermodynamic stability) performed at Invitae indicates that this missense variant is not expected to disrupt GRIN2A protein function. In summary, the available evidence is currently insufficient to determine the role of this variant in disease. Therefore, it has been classified as a Variant of Uncertain Significance.

NM_001134407.3(GRIN2A):c.3274T>G (p.Ser1092Ala)

Gene: GRIN2A (glutamate ionotropic receptor NMDA type subunit 2A; minus strand). Cytogenetic location: 16p13.2.
Variant type: single nucleotide variant.
Coding change: c.3274T>G on transcript NM_001134407.3 (MANE Select); coding-DNA position 3274, T replaced by G.
Protein change: p.Ser1092Ala; replaces serine 1092 with alanine.
Molecular consequence: missense variant.
Genome position (GRCh38, 1-based): chr16:9,764,270, A>C on the plus strand (T>G on the coding strand, the complement: GRIN2A is on the minus strand). VCF-style: chr16-9764270-A-C. GRCh37 (hg19) VCF-style: chr16-9858127-A-C.
Other names: c.3274T>G, p.Ser1092Ala (NM_000833.5, NM_001134408.2); short protein forms S1092A.
Identifiers: ClinVar variation 2763207 (VCV002763207.3), dbSNP rs1900764081, ClinGen allele CA394708225.